The following is an entry in ClinVar:

ClinVar aggregate classification (germline): Likely pathogenic. Review status: criteria provided, multiple submitters, no conflicts (2 of 4 stars). 3 submissions from 3 submitters: Likely pathogenic (3). Last evaluated 2024-05-31.

Conditions:
IFT140-related disorders.
Retinitis pigmentosa 80 (RP80). Identifiers: MedGen C4540439, MONDO:0054708, OMIM 617781.
Saldino-Mainzer syndrome (SRTD9). Also called: SHORT-RIB THORACIC DYSPLASIA 9 WITHOUT POLYDACTYLY; CONORENAL SYNDROME; short-rib thoracic dysplasia 9 with or without polydactyly; Renal dysplasia, retinal pigmentary dystrophy, cerebellar ataxia and skeletal dysplasia. Identifiers: Orphanet 140969, MedGen C1849437, MONDO:0009964, OMIM 266920.

Allele frequency attached by ClinVar (database versions not stated): gnomAD 0.00001.
gnomAD v4.1: 1 of 1,599,478 alleles (0.000063%); highest among the groups gnomAD compares: Non-Finnish European, 0.000086%; no homozygotes.

Submissions (3):

Fulgent Genetics
Classification: Likely pathogenic for Saldino-Mainzer syndrome; Retinitis pigmentosa 80. Last evaluated: 2024-05-31. Review status: criteria provided, single submitter. Criteria: ACMG Guidelines, 2015. Collection method: clinical testing. Allele origin: germline.

MVZ Medizinische Genetik Mainz
Classification: Likely pathogenic for Retinitis pigmentosa 80. Last evaluated: 2023-03-22. Review status: criteria provided, single submitter. Criteria: UK Practice Guidelines For Variant Classification V4 01 2020. Collection method: clinical testing. Allele origin: germline. Inheritance: Autosomal dominant inheritance. Affected: yes. Observed: 1 variant allele.
Comment: ACMG Criteria: PVS1,PM2_SUP

Blueprint Genetics
Classification: Likely pathogenic for IFT140-related disorders. Last evaluated: 2019-07-31. Review status: criteria provided, single submitter. Criteria: ACMG Guidelines, 2015. Collection method: clinical testing. Allele origin: germline. Affected: yes. Observed: 2 variant alleles.

NM_014714.4(IFT140):c.1963C>T (p.Gln655Ter)

Gene: IFT140 (intraflagellar transport 140; minus strand). Cytogenetic location: 16p13.3.
Variant type: single nucleotide variant.
Coding change: c.1963C>T on transcript NM_014714.4 (MANE Select); coding-DNA position 1963, C replaced by T.
Protein change: p.Gln655Ter; replaces glutamine 655 with a stop codon.
Molecular consequence: nonsense.
Genome position (GRCh38, 1-based): chr16:1,564,101, G>A on the plus strand (C>T on the coding strand, the complement: IFT140 is on the minus strand). VCF-style: chr16-1564101-G-A. GRCh37 (hg19) VCF-style: chr16-1614102-G-A.
Other names: short protein forms Q655*.
Identifiers: ClinVar variation 3066112 (VCV003066112.3), dbSNP rs772603273, ClinGen allele CA394204973.
Genomic context (GRCh38, chr16:1,564,101, plus strand): 5'-GAGGCTGGGAGCGCGGCGTCTCCTGCACGGCTTCGCATACAAACAGCCGGGGCTCACTCT[G>A]GTCCCAGAAGTGGTTCACGGGAACATAATTTTTCAGTCCCTCATCCACAAAGAGGTGGCT-3'